The following is an entry in ClinVar:

NM_000352.6(ABCC8):c.2938G>A (p.Glu980Lys)

Gene: ABCC8 (ATP binding cassette subfamily C member 8; minus strand). Cytogenetic location: 11p15.1.
Variant type: single nucleotide variant.
Coding change: c.2938G>A on transcript NM_000352.6 (MANE Select); coding-DNA position 2938, G replaced by A.
Protein change: p.Glu980Lys; replaces glutamic acid 980 with lysine.
Molecular consequence: missense variant. On other transcripts: non-coding transcript variant (1).
Genome position (GRCh38, 1-based): chr11:17,407,112, C>T on the plus strand (G>A on the coding strand, the complement: ABCC8 is on the minus strand). VCF-style: chr11-17407112-C-T. GRCh37 (hg19) VCF-style: chr11-17428659-C-T.
Other names: c.2941G>A, p.Glu981Lys (NM_001287174.3); c.3004G>A, p.Glu1002Lys (NM_001351295.2); c.2938G>A, p.Glu980Lys (NM_001351296.2); c.2935G>A, p.Glu979Lys (NM_001351297.2); c.2938G>A (NM_000352.3); short protein forms E1002K, E979K, E980K, E981K.
Identifiers: ClinVar variation 990395 (VCV000990395.7), dbSNP rs1254230359, ClinGen allele CA379804331.

ClinVar aggregate classification (germline): Uncertain significance. Review status: criteria provided, multiple submitters, no conflicts (2 of 4 stars). 5 submissions from 4 submitters: Uncertain significance (4). 1 of the submissions does not count toward it. Last evaluated 2024-04-25.

Conditions:
Inborn genetic diseases. Identifiers: MedGen C0950123, MeSH D030342.
Diabetes mellitus, transient neonatal, 2 (TNDM2). Identifiers: Orphanet 99886, MedGen C1835887, MONDO:0012480, OMIM 610374. Disease mechanism: loss of function.
Type 2 diabetes mellitus. Also called: Type II diabetes mellitus. Identifiers: MedGen C0011860, MeSH D003924, MONDO:0005148, OMIM 125853, HP:0005978.
Diabetes mellitus, permanent neonatal 3. Also called: ABCC8-Related Permanent Neonatal Diabetes Mellitus. Identifiers: MedGen C5394303, MONDO:0030088, OMIM 618857.
Hyperinsulinemic hypoglycemia, familial, 1 (HHF1). Also called: HYPERINSULINISM, FAMILIAL, WITH PANCREATIC NESIDIOBLASTOSIS; HYPOGLYCEMIA, HYPERINSULINEMIC, OF INFANCY; Persistent hyperinsulinemic hypoglycemia of infancy; Persistent Hyperinsulinemia Hypoglycemia of Infancy; NESIDIOBLASTOSIS OF PANCREAS. Identifiers: Orphanet 276575, Orphanet 276598, MedGen C2931832, MONDO:0009734, OMIM 256450.
Leucine-induced hypoglycemia (LIH). Also called: LEUCINE-SENSITIVE HYPOGLYCEMIA OF INFANCY. Identifiers: MedGen C0271714, MONDO:0009415, OMIM 240800.
Transitory neonatal diabetes mellitus. Also called: Transient neonatal diabetes mellitus. Identifiers: MedGen C0342273, MONDO:0020525, HP:0008255.
Maturity-onset diabetes of the young (MODY). Also called: Maturity onset diabetes mellitus in young. Identifiers: Orphanet 552, MedGen C0342276, MONDO:0018911, HP:0004904.
Hereditary hyperinsulinism.

Allele frequency attached by ClinVar (database versions not stated): gnomAD 0.00002 and 0.00001; gnomAD exomes 0.00002 and below 0.00001; TOPMed 0.00004.
gnomAD v4.1: 8 of 1,612,654 alleles (0.0005%); highest among the groups gnomAD compares: African/African-American, 0.0053%; no homozygotes.

Submissions (5):

Fulgent Genetics
Classification: Uncertain significance for Type 2 diabetes mellitus; Leucine-induced hypoglycemia; Hyperinsulinemic hypoglycemia, familial, 1; Diabetes mellitus, transient neonatal, 2; Diabetes mellitus, permanent neonatal 3. Last evaluated: 2024-04-25. Review status: criteria provided, single submitter. Criteria: ACMG Guidelines, 2015. Collection method: clinical testing. Allele origin: germline.

Ambry Genetics
Classification: Uncertain significance for Inborn genetic diseases. Last evaluated: 2021-08-09. Review status: criteria provided, single submitter. Criteria: Ambry Variant Classification Scheme 2023. Collection method: clinical testing. Allele origin: germline.

Clinical Genomics, Uppaluri K&H Personalized Medicine Clinic
Classification: Uncertain significance for Transitory neonatal diabetes mellitus. Review status: criteria provided, single submitter. Criteria: K & H Uppaluri Personalized Medicine Clinic Variant Classification & Assertion Criteria_Updated V.1. Collection method: research. Allele origin: unknown. Inheritance: Somatic mutation.
Comment: Mutations in ABCC8 gene are associated with both neonatal diabetes mellitus as well as MODY. Patients with this mutation may have a better response to sulfonylureas. However, no sufficient evidence is found to ascertain the role of this particular variant (rs1254230359) in neonatal diabetes yet.

Clinical Genomics, Uppaluri K&H Personalized Medicine Clinic
Classification: Uncertain significance for Maturity-onset diabetes of the young. Review status: criteria provided, single submitter. Criteria: K & H Uppaluri Personalized Medicine Clinic Variant Classification & Assertion Criteria_Updated V.1. Collection method: research. Allele origin: unknown. Inheritance: Somatic mutation.
Comment: Mutations in ABCC8 gene are associated with both neonatal diabetes mellitus as well as MODY. Patients with this mutation may have a better response to sulfonylureas. However, no sufficient evidence is found to ascertain the role of this particular variant (rs1254230359) in MODY yet.

Natera, Inc.
Classification: Uncertain significance for Hereditary hyperinsulinism. Last evaluated: 2020-04-10. Review status: no assertion criteria provided. Collection method: clinical testing. Allele origin: germline. Not counted in ClinVar's aggregate classification.

Literature cited by the submitters: PubMed 16885549 (cited by Clinical Genomics, Uppaluri K&H Personalized Medicine Clinic); PubMed 21989597 (cited by Clinical Genomics, Uppaluri K&H Personalized Medicine Clinic); PubMed 27538677 (cited by Clinical Genomics, Uppaluri K&H Personalized Medicine Clinic); PubMed 18981553 (cited by Clinical Genomics, Uppaluri K&H Personalized Medicine Clinic); PubMed 32027066 (cited by Clinical Genomics, Uppaluri K&H Personalized Medicine Clinic); PubMed 16613899 (cited by Clinical Genomics, Uppaluri K&H Personalized Medicine Clinic); PubMed 18025408 (cited by Clinical Genomics, Uppaluri K&H Personalized Medicine Clinic); PubMed 32792356 (cited by Clinical Genomics, Uppaluri K&H Personalized Medicine Clinic).